The following is an entry in ClinVar:

ClinVar aggregate classification (germline): Uncertain significance (1 of 4 stars; one submission).

gnomAD v4.1: 1 of 1,613,426 alleles (0.000062%); highest among the groups gnomAD compares: Non-Finnish European, 0.000085%; no homozygotes.

Submission:

Labcorp Genetics (formerly Invitae), Labcorp
Classification: Uncertain significance. Last evaluated: 2022-02-03. Review status: criteria provided, single submitter. Criteria: Invitae Variant Classification Sherloc (09022015). Collection method: clinical testing. Allele origin: germline.
Comment: This sequence change replaces methionine, which is neutral and non-polar, with leucine, which is neutral and non-polar, at codon 4405 of the PCLO protein (p.Met4405Leu). In summary, the available evidence is currently insufficient to determine the role of this variant in disease. Therefore, it has been classified as a Variant of Uncertain Significance. Algorithms developed to predict the effect of missense changes on protein structure and function are either unavailable or do not agree on the potential impact of this missense change (SIFT: "Deleterious"; PolyPhen-2: "Not Available"; Align-GVGD: "Class C0"). This variant has not been reported in the literature in individuals affected with PCLO-related conditions. This variant is present in population databases (no rsID available, gnomAD 0.0009%).

NM_033026.6(PCLO):c.13213A>T (p.Met4405Leu)

Gene: PCLO (piccolo presynaptic cytomatrix protein; minus strand). Cytogenetic location: 7q21.11.
Variant type: single nucleotide variant.
Coding change: c.13213A>T on transcript NM_033026.6 (MANE Select); coding-DNA position 13213, A replaced by T.
Protein change: p.Met4405Leu; replaces methionine 4405 with leucine.
Molecular consequence: missense variant.
Genome position (GRCh38, 1-based): chr7:82,914,773, T>A on the plus strand (A>T on the coding strand, the complement: PCLO is on the minus strand). VCF-style: chr7-82914773-T-A. GRCh37 (hg19) VCF-style: chr7-82544089-T-A.
Other names: c.13213A>T, p.Met4405Leu (NM_014510.3); short protein forms M4405L.
Identifiers: ClinVar variation 2092318 (VCV002092318.4), dbSNP rs369948057, ClinGen allele CA367883647.